The following is an entry in ClinVar:

ClinVar aggregate classification (germline): Uncertain significance. Review status: reviewed by expert panel (3 of 4 stars). 2 submissions from 2 submitters: Uncertain significance (1). 1 of the submissions does not count toward it. Last evaluated 2026-11-06.

Conditions:
GUCY2D-related recessive retinopathy. Also called: Recessive GUCY2D retinopathy. Identifiers: MedGen CN305603, MONDO:0100453.

Submissions (2):

ClinGen Leber Congenital Amaurosis/early Onset Retinal Dystrophy Variant Curation Expert Panel, ClinGen
Classification: Uncertain significance for GUCY2D-related recessive retinopathy. Last evaluated: 2026-11-06. Review status: reviewed by expert panel. Criteria: ClinGen LCAeoRD ACMG Specifications GUCY2D V1.0.0. Collection method: curation. Allele origin: germline. Inheritance: Autosomal recessive inheritance.
Comment: The NM_000180.4(GUCY2D):c.418G>C (p.Ala140Pro) variant in exon 2 of 20 changes the alanine at residue 140 to a proline. This variant has been reported in at least 1 proband with early-onset severe retinal dystrophy who was compound heterozygous with the variant NM_000180.4(GUCY2D):c.2302C>T (p.Arg768Trp) suspected in trans (0.5 points, VCEP member), which was previously classified as pathogenic by the ClinGen LCA/eoRD VCEP (0.5 total points, PM3_Supporting). This variant is absent from gnomAD v4.1.2 (PM2_Supporting). The computational predictor REVEL gives a score of 0.307, which is below the ClinGen LCA/eoRD VCEP threshold of ≥0.644 for PP3 and above the threshold of <0.290 for BP4. Additionally, the splicing impact predictor SpliceAI gives a score of 0.02, which predicts a low or indeterminate impact on splicing. Neither PP3 nor BP4 is met. PP4 is not met due to insufficient clinical details. In summary, this variant meets the criteria to be classified as a Variant of Uncertain Significance for GUCY2D-related recessive retinopathy based on the ACMG/AMP criteria applied, as specified by the ClinGen LCA/eoRD VCEP: PM2_Supporting, PM3_Supporting. (LCA/eoRD VCEP specifications version 1.0.0)

Blueprint Genetics
Classification: Uncertain significance. Last evaluated: 2021-05-19. Review status: criteria provided, single submitter. Criteria: ACMG Guidelines, 2015. Collection method: clinical testing. Allele origin: germline. Not counted in ClinVar's aggregate classification.

NM_000180.4(GUCY2D):c.418G>C (p.Ala140Pro)

Gene: GUCY2D (guanylate cyclase 2D, retinal; plus strand). Cytogenetic location: 17p13.1.
Variant type: single nucleotide variant.
Coding change: c.418G>C on transcript NM_000180.4 (MANE Select); coding-DNA position 418, G replaced by C.
Protein change: p.Ala140Pro; replaces alanine 140 with proline.
Molecular consequence: missense variant.
Genome position (GRCh38, 1-based): chr17:8,003,465, G>C. VCF-style: chr17-8003465-G-C. GRCh37 (hg19) VCF-style: chr17-7906783-G-C.
Other names: NM_000180.4(GUCY2D):c.418G>C; p.Ala140Pro; short protein forms A140P.
Identifiers: ClinVar variation 4933469 (VCV004933469.2).
Genomic context (GRCh38, chr17:8,003,465, plus strand): 5'-CGCGTGTCGGGCCTCGTGGGTCCGGTGAACCCTGCGGCCTGCCGGCCAGCCGAGCTGCTC[G>C]CCGAAGAAGCCGGGATCGCGCTGGTGCCCTGGGGCTGCCCCTGGACGCAGGCGGAGGGCA-3'
Protein context (NP_000171.1, residues 130-150): PAACRPAELL[Ala140Pro]EEAGIALVPW